The following is an entry in ClinVar:

ClinVar aggregate classification (germline): Uncertain significance. Review status: criteria provided, multiple submitters, no conflicts (2 of 4 stars). 5 submissions from 4 submitters: Uncertain significance (5). Last evaluated 2024-09-01.

Conditions:
Familial cutaneous telangiectasia and oropharyngeal predisposition cancer syndrome. Identifiers: Orphanet 313846, MedGen C3281203, MONDO:0013806, OMIM 614564.
Inborn genetic diseases. Identifiers: MedGen C0950123, MeSH D030342.
Seckel syndrome 1 (SCKL1). Also called: MICROCEPHALIC PRIMORDIAL DWARFISM I. Identifiers: Orphanet 808, MedGen C4551474, MONDO:0008869, OMIM 210600.

Allele frequency attached by ClinVar (database versions not stated): TOPMed below 0.00001; gnomAD 0.00001; gnomAD exomes 0.00001 and 0.00003; ExAC 0.00002.
gnomAD v4.1: 8 of 1,613,782 alleles (0.0005%); highest among the groups gnomAD compares: Admixed American, 0.012%; no homozygotes.

Submissions (5):

Ambry Genetics
Classification: Uncertain significance for Inborn genetic diseases. Last evaluated: 2024-09-01. Review status: criteria provided, single submitter. Criteria: Ambry Variant Classification Scheme 2023. Collection method: clinical testing. Allele origin: germline.
Comment: The p.D1112G variant (also known as c.3335A>G), located in coding exon 16 of the ATR gene, results from an A to G substitution at nucleotide position 3335. The aspartic acid at codon 1112 is replaced by glycine, an amino acid with similar properties. This amino acid position is conserved. In addition, this alteration is predicted to be tolerated by in silico analysis. Since supporting evidence is limited at this time, the clinical significance of this alteration remains unclear.

Labcorp Genetics (formerly Invitae), Labcorp
Classification: Uncertain significance. Last evaluated: 2024-04-29. Review status: criteria provided, single submitter. Criteria: Invitae Variant Classification Sherloc (09022015). Collection method: clinical testing. Allele origin: germline.
Comment: This sequence change replaces aspartic acid, which is acidic and polar, with glycine, which is neutral and non-polar, at codon 1112 of the ATR protein (p.Asp1112Gly). This variant is present in population databases (rs778004569, gnomAD 0.02%). This variant has not been reported in the literature in individuals affected with ATR-related conditions. ClinVar contains an entry for this variant (Variation ID: 1315287). An algorithm developed to predict the effect of missense changes on protein structure and function (PolyPhen-2) suggests that this variant¬†is likely to be tolerated. In summary, the available evidence is currently insufficient to determine the role of this variant in disease. Therefore, it has been classified as a Variant of Uncertain Significance.

Genome-Nilou Lab
Classification: Uncertain significance for Seckel syndrome 1. Last evaluated: 2023-02-08. Review status: criteria provided, single submitter. Criteria: ACMG Guidelines, 2015. Collection method: clinical testing. Allele origin: germline.

Genome-Nilou Lab
Classification: Uncertain significance for Familial cutaneous telangiectasia and oropharyngeal predisposition cancer syndrome. Last evaluated: 2023-02-08. Review status: criteria provided, single submitter. Criteria: ACMG Guidelines, 2015. Collection method: clinical testing. Allele origin: germline.

GeneDx
Classification: Uncertain significance. Last evaluated: 2020-02-11. Review status: criteria provided, single submitter. Criteria: GeneDx Variant Classification Process June 2021. Collection method: clinical testing. Allele origin: germline. Affected: yes.
Comment: In silico analysis supports that this missense variant has a deleterious effect on protein structure/function; Has not been previously published as pathogenic or benign to our knowledge

NM_001184.4(ATR):c.3335A>G (p.Asp1112Gly)

Gene: ATR (ATR checkpoint kinase; minus strand). Cytogenetic location: 3q23.
Variant type: single nucleotide variant.
Coding change: c.3335A>G on transcript NM_001184.4 (MANE Select); coding-DNA position 3335, A replaced by G.
Protein change: p.Asp1112Gly; replaces aspartic acid 1112 with glycine.
Molecular consequence: missense variant.
Genome position (GRCh38, 1-based): chr3:142,547,747, T>C on the plus strand (A>G on the coding strand, the complement: ATR is on the minus strand). VCF-style: chr3-142547747-T-C. GRCh37 (hg19) VCF-style: chr3-142266589-T-C.
Other names: c.3143A>G, p.Asp1048Gly (NM_001354579.2); short protein forms D1048G, D1112G.
Identifiers: ClinVar variation 1315287 (VCV001315287.10), dbSNP rs778004569, ClinGen allele CA2650154.